The following is an entry in ClinVar:

ClinVar aggregate classification (germline): Conflicting classifications of pathogenicity. Review status: criteria provided, conflicting classifications (1 of 4 stars). 10 submissions from 10 submitters: Uncertain significance (4); Benign (1); Likely benign (4). 1 of the submissions does not count toward it. Last evaluated 2026-03-27.

Conditions:
Cardiovascular phenotype. Identifiers: MedGen CN230736.
Dilated cardiomyopathy 1G (CMD1G). Identifiers: Orphanet 154, MedGen C1858763, MONDO:0011400, OMIM 604145.
Autosomal recessive limb-girdle muscular dystrophy type 2J (LGMDR10). Also called: Limb-girdle muscular dystrophy, type 2J; MUSCULAR DYSTROPHY, LIMB-GIRDLE, AUTOSOMAL RECESSIVE 10. Identifiers: Orphanet 140922, MedGen C1837342, MONDO:0012127, OMIM 608807.
Cardiomyopathy (CMYO). Also called: Cardiomyopathies. Identifiers: Orphanet 167848, MedGen C0878544, MONDO:0004994, HP:0001638. Inheritance: Various modes of inheritance.

Submissions (10):

Molecular Diagnostic Laboratory for Inherited Cardiovascular Disease, Montreal Heart Institute
Classification: Likely benign. Last evaluated: 2026-03-27. Review status: criteria provided, single submitter. Criteria: ACMG Guidelines, 2015. Collection method: clinical testing. Allele origin: germline. Affected: no.
Comment: BS1;BP3;BP5

CeGaT Center for Human Genetics Tuebingen
Classification: Likely benign. Last evaluated: 2025-11-01. Review status: criteria provided, single submitter. Criteria: CeGaT Center For Human Genetics Tuebingen Variant Classification Criteria Version 2. Collection method: clinical testing. Allele origin: germline. Affected: yes. Observed: 1 variant allele.
Comment: TTN: PM4:Supporting, BS2

Blueprint Genetics
Classification: Likely benign. Last evaluated: 2023-05-09. Review status: criteria provided, single submitter. Criteria: ACMG Guidelines, 2015. Collection method: clinical testing. Allele origin: germline.

Ambry Genetics
Classification: Likely benign for Cardiovascular phenotype. Last evaluated: 2020-09-28. Review status: criteria provided, single submitter. Criteria: Ambry Variant Classification Scheme 2023. Collection method: clinical testing. Allele origin: germline.

Revvity Omics, Revvity
Classification: Uncertain significance. Last evaluated: 2019-09-26. Review status: criteria provided, single submitter. Criteria: ACMG Guidelines, 2015. Collection method: clinical testing. Allele origin: germline.

CHEO Genetics Diagnostic Laboratory, Children's Hospital of Eastern Ontario
Classification: Benign for Cardiomyopathy. Last evaluated: 2018-04-11. Review status: criteria provided, single submitter. Criteria: ACMG Guidelines, 2015. Collection method: clinical testing. Allele origin: germline.

Labcorp Genetics (formerly Invitae), Labcorp
Classification: Uncertain significance for Dilated cardiomyopathy 1G; Autosomal recessive limb-girdle muscular dystrophy type 2J. Last evaluated: 2017-07-25. Review status: criteria provided, single submitter. Criteria: Invitae Variant Classification Sherloc (09022015). Collection method: clinical testing. Allele origin: germline.

Genetic Services Laboratory, University of Chicago
Classification: Uncertain significance. Last evaluated: 2014-11-04. Review status: criteria provided, single submitter. Criteria: ACMG Guidelines, 2015. Collection method: clinical testing. Allele origin: germline.

Eurofins Ntd Llc (ga)
Classification: Uncertain significance. Last evaluated: 2013-12-04. Review status: criteria provided, single submitter. Criteria: EGL Classification Definitions 2015. Collection method: clinical testing. Allele origin: germline. Observed: 4 variant alleles, 3 heterozygotes.

GeneDx
No classification provided. Last evaluated: 2014-04-09. Review status: no classification provided. Criteria: GeneDx Variant Classification (06012015). Collection method: clinical testing. Allele origin: germline. Affected: yes. Not counted in ClinVar's aggregate classification.
Comment: Missense variants in the TTN gene are considered 'unclassified' if they are not previously reported in the literature and do not have >1% frequency in the population to be considered a polymorphism. Research indicates that truncating mutations in the TTN gene are expected to account for approximately 25% of familial and 18% of sporadic idiopathic DCM; however, truncating variants in the TTN gene have been reported in approximately 3% of reported control alleles. There has been little investigation into non-truncating variants. (Herman D et al. Truncations of titin causing dilated cardiomyopathy. N Eng J Med 366:619-628, 2012) The variant is found in DCM,CARDIOMYOPATHY panel(s).

NM_001267550.2(TTN):c.40576GAA[3] (p.Glu13529del)

Gene: TTN (titin; minus strand). Cytogenetic location: 2q31.2.
Variant type: Microsatellite.
Coding change: c.40576GAA[3] on transcript NM_001267550.2 (MANE Select); three copies in a row of the 3-base unit GAA starting at c.40576; the reference has four copies in a row; one copy, 3 bases deleted.
Protein change: p.Glu13529del; deletes glutamic acid 13529.
Molecular consequence: inframe deletion.
Genome position (GRCh38, 1-based): chr2:178,641,287-178,641,289, TTC deleted on the plus strand (GAA on the coding strand, the reverse complement: TTN is on the minus strand); deleting any 3 consecutive bases within chr2:178,641,287-178,641,298 gives the same sequence; the position shown is the placement nearest the transcript's 3' end. VCF-style (leftmost placement, unchanged base first): chr2-178641286-GTTC-G. GRCh37 (hg19) VCF-style: chr2-179506013-GTTC-G.
Other names: c.13390_13392delGAA (NM_003319.4); c.35653GAA[3], p.Glu11888del (NM_001256850.1); c.13381GAA[3], p.Glu4464del (NM_003319.4); c.32872GAA[3], p.Glu10961del (NM_133378.4); c.13756GAA[3], p.Glu4589del (NM_133432.3); c.13957GAA[3], p.Glu4656del (NM_133437.4); c.40585_40587delGAA (NM_001267550.2); c.35662_35664del (NM_001256850.1); and 1 more; short protein forms E13529del, E11888del, E10961del, E4464del, E4656del, E4589del.
Identifiers: ClinVar variation 167789 (VCV000167789.30), dbSNP rs727504199, ClinGen allele CA208429.